The following is an entry in ClinVar:

NM_000260.4(MYO7A):c.4694C>T (p.Thr1565Met)

Gene: MYO7A (myosin VIIA; plus strand). Cytogenetic location: 11q13.5.
Variant type: single nucleotide variant.
Coding change: c.4694C>T on transcript NM_000260.4 (MANE Select); coding-DNA position 4694, C replaced by T.
Protein change: p.Thr1565Met; replaces threonine 1565 with methionine.
Molecular consequence: missense variant.
Genome position (GRCh38, 1-based): chr11:77,199,660, C>T. VCF-style: chr11-77199660-C-T. GRCh37 (hg19) VCF-style: chr11-76910705-C-T.
Other names: c.4580C>T, p.Thr1527Met (NM_001127180.2); c.4547C>T, p.Thr1516Met (NM_001369365.1); short protein forms T1516M, T1527M, T1565M.
Identifiers: ClinVar variation 972393 (VCV000972393.15), dbSNP rs764915160, ClinGen allele CA6198522.

ClinVar aggregate classification (germline): Conflicting classifications of pathogenicity. Review status: criteria provided, conflicting classifications (1 of 4 stars). 4 submissions from 4 submitters: Uncertain significance (2); Likely benign (2). Last evaluated 2026-07-06.

Conditions:
MYO7A-related disorder. Also called: MYO7A-related disorders.
Inborn genetic diseases. Identifiers: MedGen C0950123, MeSH D030342.

Allele frequency attached by ClinVar (database versions not stated): gnomAD exomes 0.00005 and 0.00020; ExAC 0.00011; gnomAD 0.00011; TOPMed 0.00019.
gnomAD v4.1: 80 of 1,612,816 alleles (0.005%); highest among the groups gnomAD compares: Admixed American, 0.12%; no homozygotes.

Submissions (4):

PreventionGenetics, part of Exact Sciences
Classification: Uncertain significance for MYO7A-related condition. Last evaluated: 2026-07-06. Review status: criteria provided, single submitter. Criteria: ACMG Guidelines, 2015. Collection method: clinical testing. Allele origin: germline.
Comment: The MYO7A c.4694C>T variant is predicted to result in the amino acid substitution p.Thr1565Met. To our knowledge, this variant has not been reported in the literature. This variant is reported in 0.14% of alleles in individuals of Latino descent in gnomAD, which may be too frequent to be a primary cause of disease. Although we suspect that this variant may be benign, at this time, the clinical significance of this variant is uncertain due to the absence of conclusive functional and genetic evidence.

Labcorp Genetics (formerly Invitae), Labcorp
Classification: Likely benign. Last evaluated: 2025-08-06. Review status: criteria provided, single submitter. Criteria: Invitae Variant Classification Sherloc (09022015). Collection method: clinical testing. Allele origin: germline.

Ambry Genetics
Classification: Likely benign for Inborn genetic diseases. Last evaluated: 2022-01-05. Review status: criteria provided, single submitter. Criteria: Ambry Variant Classification Scheme 2023. Collection method: clinical testing. Allele origin: germline.

GeneDx
Classification: Uncertain significance. Last evaluated: 2021-01-05. Review status: criteria provided, single submitter. Criteria: GeneDx Variant Classification Process June 2021. Collection method: clinical testing. Allele origin: germline. Affected: yes.
Comment: In silico analysis supports that this missense variant does not alter protein structure/function; Has not been previously published as pathogenic or benign to our knowledge